The following is an entry in ClinVar:

ClinVar aggregate classification (germline): Uncertain significance (1 of 4 stars; one submission).

Conditions:
Cardiovascular phenotype. Identifiers: MedGen CN230736.

Submission:

Ambry Genetics
Classification: Uncertain significance for Cardiovascular phenotype. Last evaluated: 2025-05-03. Review status: criteria provided, single submitter. Criteria: Ambry Variant Classification Scheme 2023. Collection method: clinical testing. Allele origin: germline.
Comment: The p.D2802G variant (also known as c.8405A>G), located in coding exon 38 of the ANK2 gene, results from an A to G substitution at nucleotide position 8405. The aspartic acid at codon 2802 is replaced by glycine, an amino acid with similar properties. This amino acid position is conserved. In addition, this alteration is predicted to be tolerated by in silico analysis. Based on the available evidence, the clinical significance of this variant remains unclear.

NM_001148.6(ANK2):c.8405A>G (p.Asp2802Gly)

Gene: ANK2 (ankyrin 2; plus strand). Cytogenetic location: 4q26.
Variant type: single nucleotide variant.
Coding change: c.8405A>G on transcript NM_001148.6 (MANE Select); coding-DNA position 8405, A replaced by G.
Protein change: p.Asp2802Gly; replaces aspartic acid 2802 with glycine.
Molecular consequence: missense variant. On other transcripts: intron variant (68).
Genome position (GRCh38, 1-based): chr4:113,357,023, A>G. VCF-style: chr4-113357023-A-G. GRCh37 (hg19) VCF-style: chr4-114278179-A-G.
Other names: c.8171A>G, p.Asp2724Gly (NM_001386142.1); c.4805A>G, p.Asp1602Gly (NM_001386166.1); c.8546A>G, p.Asp2849Gly (NM_001386174.1); c.8522A>G, p.Asp2841Gly (NM_001386175.1); c.4412-3800A>G (NM_001386186.2, NM_001386148.2); c.4214-3800A>G (NM_001354269.3); c.4292-3800A>G (NM_001386187.2); c.4253-3800A>G (NM_001386147.1); and 35 more; short protein forms D2724G, D2802G, D2841G, D1602G, D2849G.
Identifiers: ClinVar variation 4051068 (VCV004051068.1).